The following is an entry in ClinVar:

ClinVar aggregate classification (germline): Uncertain significance. Review status: criteria provided, multiple submitters, no conflicts (2 of 4 stars). 3 submissions from 3 submitters: Uncertain significance (3). Last evaluated 2024-09-18.

Conditions:
Inborn genetic diseases. Identifiers: MedGen C0950123, MeSH D030342.

Allele frequency attached by ClinVar (database versions not stated): 1000 Genomes Project 30x 0.00016; gnomAD exomes 0.00010; 1000 Genomes Project 0.00020.
gnomAD v4.1: 136 of 1,473,696 alleles (0.0092%); highest among the groups gnomAD compares: Non-Finnish European, 0.012%; no homozygotes.

Submissions (3):

Mayo Clinic Laboratories, Mayo Clinic
Classification: Uncertain significance. Last evaluated: 2024-09-18. Review status: criteria provided, single submitter. Criteria: ACMG Guidelines, 2015. Collection method: clinical testing. Allele origin: germline. Observed: 1 variant allele.
Comment: BP4, PM1_supporting, PM2_supporting

Ambry Genetics
Classification: Uncertain significance for Inborn genetic diseases. Last evaluated: 2024-08-27. Review status: criteria provided, single submitter. Criteria: Ambry Variant Classification Scheme 2023. Collection method: clinical testing. Allele origin: germline.

Labcorp Genetics (formerly Invitae), Labcorp
Classification: Uncertain significance. Last evaluated: 2022-08-21. Review status: criteria provided, single submitter. Criteria: Invitae Variant Classification Sherloc (09022015). Collection method: clinical testing. Allele origin: germline.
Comment: This sequence change replaces alanine, which is neutral and non-polar, with valine, which is neutral and non-polar, at codon 103 of the BLOC1S3 protein (p.Ala103Val). This variant is not present in population databases (gnomAD no frequency). This variant has not been reported in the literature in individuals affected with BLOC1S3-related conditions. Algorithms developed to predict the effect of missense changes on protein structure and function (SIFT, PolyPhen-2, Align-GVGD) all suggest that this variant is likely to be tolerated. In summary, the available evidence is currently insufficient to determine the role of this variant in disease. Therefore, it has been classified as a Variant of Uncertain Significance.

NM_212550.5(BLOC1S3):c.308C>T (p.Ala103Val)

Gene: BLOC1S3 (biogenesis of lysosomal organelles complex 1 subunit 3; plus strand). Cytogenetic location: 19q13.32.
Variant type: single nucleotide variant.
Coding change: c.308C>T on transcript NM_212550.5 (MANE Select); coding-DNA position 308, C replaced by T.
Protein change: p.Ala103Val; replaces alanine 103 with valine.
Molecular consequence: missense variant.
Genome position (GRCh38, 1-based): chr19:45,179,604, C>T. VCF-style: chr19-45179604-C-T. GRCh37 (hg19) VCF-style: chr19-45682862-C-T.
Other names: p.Ala103Val; c.308C>T (NM_212550.3); short protein forms A103V.
Identifiers: ClinVar variation 2150701 (VCV002150701.3), dbSNP rs534944981, ClinGen allele CA308943290.